The following is an entry in ClinVar:

NM_004174.4(SLC9A3):c.1935_1937del (p.Asp645del)

Genes: SLC9A3 (solute carrier family 9 member A3), SLC9A3-AS1 (SLC9A3 antisense RNA 1; plus strand). Cytogenetic location: 5p15.33.
Variant type: Deletion.
Coding change: c.1935_1937del on transcript NM_004174.4 (MANE Select); coding-DNA positions 1935 to 1937, 3 bases deleted.
Protein change: p.Asp645del; deletes aspartic acid 645.
Molecular consequence: inframe deletion. On other transcripts: non-coding transcript variant (1).
Genome position: GRCh38 VCF-style: chr5-476331-CTCG-C. GRCh37 (hg19) VCF-style: chr5-476446-CTCG-C.
Other names: c.1908_1910del, p.Asp636del (NM_001284351.3); short protein forms D636del, D645del.
Identifiers: ClinVar variation 2037859 (VCV002037859.4), dbSNP rs1156819231, ClinGen allele CA557397750.

ClinVar aggregate classification (germline): Uncertain significance (1 of 4 stars; one submission).

Submission:

Labcorp Genetics (formerly Invitae), Labcorp
Classification: Uncertain significance. Last evaluated: 2021-12-08. Review status: criteria provided, single submitter. Criteria: Invitae Variant Classification Sherloc (09022015). Collection method: clinical testing. Allele origin: germline.
Comment: This variant is present in population databases (no rsID available, gnomAD 0.02%). In summary, the available evidence is currently insufficient to determine the role of this variant in disease. Therefore, it has been classified as a Variant of Uncertain Significance. Experimental studies and prediction algorithms are not available or were not evaluated, and the functional significance of this variant is currently unknown. This variant has not been reported in the literature in individuals affected with SLC9A3-related conditions. This variant, c.1935_1937del, results in the deletion of 1 amino acid(s) of the SLC9A3 protein (p.Asp645del), but otherwise preserves the integrity of the reading frame.